The following is an entry in ClinVar:

ClinVar aggregate classification (germline): Uncertain significance. Review status: criteria provided, multiple submitters, no conflicts (2 of 4 stars). 5 submissions from 5 submitters: Uncertain significance (5). Last evaluated 2025-09-23.

Conditions:
Hereditary cancer-predisposing syndrome. Also called: Neoplastic Syndromes, Hereditary; Hereditary Cancer Syndrome; Hereditary neoplastic syndrome; Tumor predisposition. Identifiers: Orphanet 140162, MedGen C0027672, MeSH D009386, MONDO:0015356.
Familial cancer of breast. Also called: BREAST CANCER, FAMILIAL; Hereditary breast cancer; hereditary breast carcinoma. Identifiers: Orphanet 227535, MedGen C0346153, MONDO:0016419, OMIM 114480. Disease mechanism: loss of function.

Allele frequency attached by ClinVar (database versions not stated): gnomAD exomes below 0.00001 and 0.00001; ExAC 0.00001.
gnomAD v4.1: 3 of 1,614,184 alleles (0.00019%); highest among the groups gnomAD compares: South Asian, 0.0033%; no homozygotes.

Submissions (5):

Ambry Genetics
Classification: Uncertain significance for Hereditary cancer-predisposing syndrome. Last evaluated: 2025-09-23. Review status: criteria provided, single submitter. Criteria: Ambry Variant Classification Scheme 2023. Collection method: clinical testing. Allele origin: germline.
Comment: The p.H786R variant (also known as c.2357A>G), located in coding exon 5 of the PALB2 gene, results from an A to G substitution at nucleotide position 2357. The histidine at codon 786 is replaced by arginine, an amino acid with highly similar properties. This amino acid position is poorly conserved in available vertebrate species. In addition, this alteration is predicted to be tolerated by in silico analysis. Since supporting evidence is limited at this time, the clinical significance of this alteration remains unclear.

Labcorp Genetics (formerly Invitae), Labcorp
Classification: Uncertain significance for Familial cancer of breast. Last evaluated: 2025-09-23. Review status: criteria provided, single submitter. Criteria: Invitae Variant Classification Sherloc (09022015). Collection method: clinical testing. Allele origin: germline.
Comment: This sequence change replaces histidine, which is basic and polar, with arginine, which is basic and polar, at codon 786 of the PALB2 protein (p.His786Arg). This variant is present in population databases (rs774503574, gnomAD 0.003%). This variant has not been reported in the literature in individuals affected with PALB2-related conditions. ClinVar contains an entry for this variant (Variation ID: 460938). Invitae Evidence Modeling of protein sequence and biophysical properties (such as structural, functional, and spatial information, amino acid conservation, physicochemical variation, residue mobility, and thermodynamic stability) indicates that this missense variant is not expected to disrupt PALB2 protein function with a negative predictive value of 80%. In summary, the available evidence is currently insufficient to determine the role of this variant in disease. Therefore, it has been classified as a Variant of Uncertain Significance.

Quest Diagnostics Nichols Institute San Juan Capistrano
Classification: Uncertain significance. Last evaluated: 2024-02-09. Review status: criteria provided, single submitter. Criteria: Quest Diagnostics criteria. Collection method: clinical testing. Allele origin: unknown.

Sema4
Classification: Uncertain significance for Hereditary cancer-predisposing syndrome. Last evaluated: 2021-05-08. Review status: criteria provided, single submitter. Criteria: Sema4 Curation Guidelines. Collection method: curation. Allele origin: germline.
Comment: The PALB2 c.2357A>G (p.H786R) variant has been reported in heterozygosity in at least one individual with breast cancer (PMID: 33471991). It was observed in 1/30616 chromosomes in the East Asian subpopulation in the large and broad cohorts of the Genome Aggregation Database (PMID: 32461654). The variant has been reported in ClinVar (Variation ID: 460938). In silico tools suggest the impact of the variant on protein function is benign, though these predictions have not been confirmed by functional studies. The evidence is insufficient to meet ACMG/AMP criteria for classifying the variant as benign or pathogenic. Thus, the clinical significance of this variant is currently uncertain.

Color Diagnostics, LLC DBA Color Health
Classification: Uncertain significance for Hereditary cancer-predisposing syndrome. Last evaluated: 2018-10-19. Review status: criteria provided, single submitter. Criteria: ACMG Guidelines, 2015. Collection method: clinical testing. Allele origin: germline.

Literature cited by the submitters: PubMed 33471991 (cited by Quest Diagnostics Nichols Institute San Juan Capistrano and Sema4).

NM_024675.4(PALB2):c.2357A>G (p.His786Arg)

Gene: PALB2 (partner and localizer of BRCA2; minus strand). Cytogenetic location: 16p12.2.
Variant type: single nucleotide variant.
Coding change: c.2357A>G on transcript NM_024675.4 (MANE Select); coding-DNA position 2357, A replaced by G.
Protein change: p.His786Arg; replaces histidine 786 with arginine.
Molecular consequence: missense variant.
Genome position (GRCh38, 1-based): chr16:23,629,797, T>C on the plus strand (A>G on the coding strand, the complement: PALB2 is on the minus strand). VCF-style: chr16-23629797-T-C. GRCh37 (hg19) VCF-style: chr16-23641118-T-C.
Other names: short protein forms H786R.
Identifiers: ClinVar variation 460938 (VCV000460938.19), dbSNP rs774503574, ClinGen allele CA7963588.